The following is an entry in ClinVar:

ClinVar aggregate classification (germline): Uncertain significance (1 of 4 stars; one submission).

Submission:

Labcorp Genetics (formerly Invitae), Labcorp
Classification: Uncertain significance. Last evaluated: 2022-05-17. Review status: criteria provided, single submitter. Criteria: Invitae Variant Classification Sherloc (09022015). Collection method: clinical testing. Allele origin: germline.
Comment: This sequence change replaces glutamic acid, which is acidic and polar, with aspartic acid, which is acidic and polar, at codon 189 of the RHOBTB2 protein (p.Glu189Asp). This variant is not present in population databases (gnomAD no frequency). This variant has not been reported in the literature in individuals affected with RHOBTB2-related conditions. Algorithms developed to predict the effect of missense changes on protein structure and function (SIFT, PolyPhen-2, Align-GVGD) all suggest that this variant is likely to be tolerated. In summary, the available evidence is currently insufficient to determine the role of this variant in disease. Therefore, it has been classified as a Variant of Uncertain Significance.

NM_015178.3(RHOBTB2):c.501A>T (p.Glu167Asp)

Gene: RHOBTB2 (Rho related BTB domain containing 2; plus strand). Cytogenetic location: 8p21.3.
Variant type: single nucleotide variant.
Coding change: c.501A>T on transcript NM_015178.3 (MANE Select); coding-DNA position 501, A replaced by T.
Protein change: p.Glu167Asp; replaces glutamic acid 167 with aspartic acid.
Molecular consequence: missense variant.
Genome position (GRCh38, 1-based): chr8:23,006,746, A>T. VCF-style: chr8-23006746-A-T. GRCh37 (hg19) VCF-style: chr8-22864259-A-T.
Other names: c.567A>T, p.Glu189Asp (NM_001160036.2); c.522A>T, p.Glu174Asp (NM_001160037.2); c.501A>T, p.Glu167Asp (NM_001374791.1); short protein forms E167D, E174D, E189D.
Identifiers: ClinVar variation 1995466 (VCV001995466.4), dbSNP rs1810961560, ClinGen allele CA370563545.